The following is an entry in ClinVar:

NM_004530.6(MMP2):c.1861G>C (p.Val621Leu)

Gene: MMP2 (matrix metallopeptidase 2; plus strand). Cytogenetic location: 16q12.2.
Variant type: single nucleotide variant.
Coding change: c.1861G>C on transcript NM_004530.6 (MANE Select); coding-DNA position 1861, G replaced by C.
Protein change: p.Val621Leu; replaces valine 621 with leucine.
Molecular consequence: missense variant.
Genome position (GRCh38, 1-based): chr16:55,502,870, G>C. VCF-style: chr16-55502870-G-C. GRCh37 (hg19) VCF-style: chr16-55536782-G-C.
Other names: c.1711G>C, p.Val571Leu (NM_001127891.3); c.1633G>C, p.Val545Leu (NM_001302508.1, NM_001302509.2, NM_001302510.2); short protein forms V571L, V621L, V545L.
Identifiers: ClinVar variation 789085 (VCV000789085.15), dbSNP rs16955280, ClinGen allele CA8060601.

ClinVar aggregate classification (germline): Benign. Review status: criteria provided, multiple submitters, no conflicts (2 of 4 stars). 3 submissions from 3 submitters: Benign (3). Last evaluated 2026-01-29.

Conditions:
Multicentric osteolysis nodulosis arthropathy spectrum. Identifiers: Orphanet 3460, Orphanet 371428, MedGen C1850155, MONDO:0018298.

Allele frequency attached by ClinVar (database versions not stated): ExAC 0.00192; TOPMed 0.00585; 1000 Genomes Project 0.00859; gnomAD exomes 0.00152; ESP Exome Variant Server 0.00646; 1000 Genomes Project 30x 0.00890.
gnomAD v4.1: 1,785 of 1,613,738 alleles (0.11%); highest among the groups gnomAD compares: African/African-American, 2.1%; 18 homozygotes.

Submissions (3):

Labcorp Genetics (formerly Invitae), Labcorp
Classification: Benign. Last evaluated: 2026-01-29. Review status: criteria provided, single submitter. Criteria: Invitae Variant Classification Sherloc (09022015). Collection method: clinical testing. Allele origin: germline.

Illumina Laboratory Services, Illumina
Classification: Benign for Multicentric osteolysis, nodulosis, and arthropathy. Last evaluated: 2017-04-28. Review status: criteria provided, single submitter. Criteria: ICSL Variant Classification Criteria 13 December 2019. Collection method: clinical testing. Allele origin: germline.
Comment: This variant was observed as part of a predisposition screen in an ostensibly healthy population. A literature search was performed for the gene, cDNA change, and amino acid change (where applicable). Publications were found based on this search. The evidence from the literature, in combination with allele frequency data from public databases where available, was sufficient to rule this variant out of causing disease. Therefore, this variant is classified as benign.

Breakthrough Genomics
Classification: Benign. Review status: criteria provided, single submitter. Criteria: ACMG Guidelines, 2015. Collection method: not provided. Allele origin: germline. Inheritance: Autosomal recessive inheritance. Affected: yes.

Literature cited by the submitters: PubMed 23378725 (cited by Illumina Laboratory Services, Illumina).